The following is an entry in ClinVar:

NM_000083.3(CLCN1):c.2741C>G (p.Pro914Arg)

Gene: CLCN1 (chloride voltage-gated channel 1; plus strand). Cytogenetic location: 7q34.
Variant type: single nucleotide variant.
Coding change: c.2741C>G on transcript NM_000083.3 (MANE Select); coding-DNA position 2741, C replaced by G.
Protein change: p.Pro914Arg; replaces proline 914 with arginine.
Molecular consequence: missense variant. On other transcripts: non-coding transcript variant (1).
Genome position (GRCh38, 1-based): chr7:143,351,739, C>G. VCF-style: chr7-143351739-C-G. GRCh37 (hg19) VCF-style: chr7-143048832-C-G.
Other names: short protein forms P914R.
Identifiers: ClinVar variation 4794952 (VCV004794952.1).
Genomic context (GRCh38, chr7:143,351,739, plus strand): 5'-GAAAGAGTACCGGGGCACCTCCATCTTCTGCAGAGAACTGGAACCTGCCTGAGGACAGGC[C>G]TGGGGCCACTGGAACAGGGGATGTGATTGCTGCCTCCCCAGAGACCCCTGTGCCATCTCC-3'
Protein context (NP_000074.3, residues 904-924): AENWNLPEDR[Pro914Arg]GATGTGDVIA

ClinVar aggregate classification (germline): Uncertain significance (1 of 4 stars; one submission).

Conditions:
Congenital myotonia, autosomal dominant form (THD). Also called: THOMSEN DISEASE; Myotonia congenita autosomal dominant. Identifiers: Orphanet 614, MedGen C2936781, MONDO:0008055, OMIM 160800.
Congenital myotonia, autosomal recessive form. Also called: BECKER DISEASE; Becker Generalized Myotonia; myotonia congenita, autosomal recessive. Identifiers: Orphanet 614, MedGen C0751360, MONDO:0009715, OMIM 255700.

gnomAD v4.1: 1 of 1,614,206 alleles (0.000062%); highest among the groups gnomAD compares: Non-Finnish European, 0.000085%; no homozygotes.

Submission:

Labcorp Genetics (formerly Invitae), Labcorp
Classification: Uncertain significance for Congenital myotonia, autosomal recessive form; Congenital myotonia, autosomal dominant form. Last evaluated: 2026-01-27. Review status: criteria provided, single submitter. Criteria: Invitae Variant Classification Sherloc (09022015). Collection method: clinical testing. Allele origin: germline.
Comment: This sequence change replaces proline, which is neutral and non-polar, with arginine, which is basic and polar, at codon 914 of the CLCN1 protein (p.Pro914Arg). This variant is present in population databases (rs762103571, gnomAD 0.0009%). This variant has not been reported in the literature in individuals affected with CLCN1-related conditions. Invitae Evidence Modeling of protein sequence and biophysical properties (such as structural, functional, and spatial information, amino acid conservation, physicochemical variation, residue mobility, and thermodynamic stability) indicates that this missense variant is not expected to disrupt CLCN1 protein function with a negative predictive value of 95%. In summary, the available evidence is currently insufficient to determine the role of this variant in disease. Therefore, it has been classified as a Variant of Uncertain Significance.